The following is an entry in ClinVar:

ClinVar aggregate classification (germline): Uncertain significance (1 of 4 stars; one submission).

Conditions:
DICER1-related tumor predisposition. Also called: DICER1-related pleuropulmonary blastoma cancer predisposition syndrome; DICER1 syndrome. Identifiers: Orphanet 284343, MedGen C3839822, MONDO:0100216.

Submission:

Labcorp Genetics (formerly Invitae), Labcorp
Classification: Uncertain significance for DICER1-related tumor predisposition. Last evaluated: 2025-11-22. Review status: criteria provided, single submitter. Criteria: Invitae Variant Classification Sherloc (09022015). Collection method: clinical testing. Allele origin: germline.
Comment: This sequence change replaces glutamic acid, which is acidic and polar, with lysine, which is basic and polar, at codon 221 of the DICER1 protein (p.Glu221Lys). This variant is not present in population databases (gnomAD no frequency). This variant has not been reported in the literature in individuals affected with DICER1-related conditions. Invitae Evidence Modeling of protein sequence and biophysical properties (such as structural, functional, and spatial information, amino acid conservation, physicochemical variation, residue mobility, and thermodynamic stability) indicates that this missense variant is not expected to disrupt DICER1 protein function with a negative predictive value of 95%. In summary, the available evidence is currently insufficient to determine the role of this variant in disease. Therefore, it has been classified as a Variant of Uncertain Significance.

NM_177438.3(DICER1):c.661G>A (p.Glu221Lys)

Gene: DICER1 (dicer 1, ribonuclease III; minus strand). Cytogenetic location: 14q32.13.
Variant type: single nucleotide variant.
Coding change: c.661G>A on transcript NM_177438.3 (MANE Select); coding-DNA position 661, G replaced by A.
Protein change: p.Glu221Lys; replaces glutamic acid 221 with lysine.
Molecular consequence: missense variant. On other transcripts: 5 prime UTR variant (1), non-coding transcript variant (6).
Genome position (GRCh38, 1-based): chr14:95,129,545, C>T on the plus strand (G>A on the coding strand, the complement: DICER1 is on the minus strand). VCF-style: chr14-95129545-C-T. GRCh37 (hg19) VCF-style: chr14-95595882-C-T.
Other names: c.661G>A, p.Glu221Lys (NM_001195573.1, NM_001271282.3, NM_001291628.2 and 14 more transcripts); c.379G>A, p.Glu127Lys (NM_001395686.1); c.256G>A, p.Glu86Lys (NM_001395687.1, NM_001395688.1, NM_001395689.1 and 3 more transcripts); c.94G>A, p.Glu32Lys (NM_001395691.1); c.-908G>A (NM_001395697.1); short protein forms E127K, E32K, E221K, E86K.
Identifiers: ClinVar variation 4746769 (VCV004746769.1).